The following is an entry in ClinVar:

NM_001130987.2(DYSF):c.2702A>C (p.Glu901Ala)

Gene: DYSF (dysferlin; plus strand). Cytogenetic location: 2p13.2.
Variant type: single nucleotide variant.
Coding change: c.2702A>C on transcript NM_001130987.2 (MANE Select); coding-DNA position 2702, A replaced by C.
Protein change: p.Glu901Ala; replaces glutamic acid 901 with alanine.
Molecular consequence: missense variant.
Genome position (GRCh38, 1-based): chr2:71,568,176, A>C. VCF-style: chr2-71568176-A-C. GRCh37 (hg19) VCF-style: chr2-71795306-A-C.
Other names: c.2648A>C (NM_003494.3); c.2651A>C, p.Glu884Ala (NM_001130455.2, NM_001130983.2); c.2606A>C, p.Glu869Ala (NM_001130976.2, NM_001130977.2); c.2648A>C, p.Glu883Ala (NM_001130978.2, NM_003494.4); c.2741A>C, p.Glu914Ala (NM_001130979.2); c.2699A>C, p.Glu900Ala (NM_001130980.2, NM_001130981.2); c.2744A>C, p.Glu915Ala (NM_001130982.2); c.2609A>C, p.Glu870Ala (NM_001130984.2, NM_001130986.2); and 1 more; short protein forms E869A, E870A, E883A, E884A, E900A, E901A, E914A, E915A.
Identifiers: ClinVar variation 1058979 (VCV001058979.8), dbSNP rs2152811264, ClinGen allele CA347214157.

ClinVar aggregate classification (germline): Uncertain significance. Review status: criteria provided, multiple submitters, no conflicts (2 of 4 stars). 2 submissions from 2 submitters: Uncertain significance (2). Last evaluated 2021-09-01.

Conditions:
Neuromuscular disease caused by qualitative or quantitative defects of dysferlin. Also called: Dysferlinopathy; Qualitative or quantitative defects of dysferlin. Identifiers: Orphanet 207073, MedGen C2931687, MONDO:0016145.

Submissions (2):

Labcorp Genetics (formerly Invitae), Labcorp
Classification: Uncertain significance for Neuromuscular disease caused by qualitative or quantitative defects of dysferlin. Last evaluated: 2021-09-01. Review status: criteria provided, single submitter. Criteria: Invitae Variant Classification Sherloc (09022015). Collection method: clinical testing. Allele origin: germline.
Comment: This sequence change replaces glutamic acid with alanine at codon 883 of the DYSF protein (p.Glu883Ala). The glutamic acid residue is moderately conserved and there is a moderate physicochemical difference between glutamic acid and alanine. This variant is not present in population databases (ExAC no frequency). This variant has not been reported in the literature in individuals affected with DYSF-related conditions. Algorithms developed to predict the effect of missense changes on protein structure and function are either unavailable or do not agree on the potential impact of this missense change (SIFT: "Tolerated"; PolyPhen-2: "Probably Damaging"; Align-GVGD: "Class C0"). In summary, the available evidence is currently insufficient to determine the role of this variant in disease. Therefore, it has been classified as a Variant of Uncertain Significance.

Revvity Omics, Revvity
Classification: Uncertain significance. Last evaluated: 2019-10-01. Review status: criteria provided, single submitter. Criteria: ACMG Guidelines, 2015. Collection method: clinical testing. Allele origin: germline.